The following is an entry in ClinVar:

ClinVar aggregate classification (germline): Uncertain significance (1 of 4 stars; one submission).

Conditions:
Hereditary cancer-predisposing syndrome. Also called: Tumor predisposition; Neoplastic Syndromes, Hereditary; Hereditary neoplastic syndrome; Hereditary Cancer Syndrome. Identifiers: Orphanet 140162, MedGen C0027672, MeSH D009386, MONDO:0015356.

Submission:

Ambry Genetics
Classification: Uncertain significance for Hereditary cancer-predisposing syndrome. Last evaluated: 2025-08-27. Review status: criteria provided, single submitter. Criteria: Ambry Variant Classification Scheme 2023. Collection method: clinical testing. Allele origin: germline.
Comment: The p.P522A variant (also known as c.1564C>G), located in coding exon 16 of the MUTYH gene, results from a C to G substitution at nucleotide position 1564. The proline at codon 522 is replaced by alanine, an amino acid with highly similar properties. This amino acid position is conserved. In addition, this alteration is predicted to be tolerated by in silico analysis. Based on the available evidence, the clinical significance of this variant remains unclear.

NM_001048174.2(MUTYH):c.1480C>G (p.Pro494Ala)

Gene: MUTYH (mutY DNA glycosylase; minus strand). Cytogenetic location: 1p34.1.
Variant type: single nucleotide variant.
Coding change: c.1480C>G on transcript NM_001048174.2 (MANE Select); coding-DNA position 1480, C replaced by G.
Protein change: p.Pro494Ala; replaces proline 494 with alanine.
Molecular consequence: missense variant. On other transcripts: non-coding transcript variant (7).
Genome position (GRCh38, 1-based): chr1:45,329,392, G>C on the plus strand (C>G on the coding strand, the complement: MUTYH is on the minus strand). VCF-style: chr1-45329392-G-C. GRCh37 (hg19) VCF-style: chr1-45795064-G-C.
Other names: c.1480C>G, p.Pro494Ala (NM_001048171.2, NM_001048173.2, NM_001293195.2 and 6 more transcripts); c.1483C>G, p.Pro495Ala (NM_001048172.2, NM_001407078.1, NM_001407086.1 and 1 more transcripts); c.1564C>G, p.Pro522Ala (NM_001128425.2); c.1525C>G, p.Pro509Ala (NM_001293190.2); c.1513C>G, p.Pro505Ala (NM_001293191.2, NM_001407069.1, NM_001407077.1); c.1204C>G, p.Pro402Ala (NM_001293192.2, NM_001407091.1, NM_001293196.2); c.1441C>G, p.Pro481Ala (NM_001407079.1); c.1438C>G, p.Pro480Ala (NM_001407080.1); and 5 more; short protein forms P480A, P481A, P505A, P466A, P501A, P509A, P379A, P402A.
Identifiers: ClinVar variation 4113370 (VCV004113370.1).